The following is an entry in ClinVar:

ClinVar aggregate classification (germline): Uncertain significance. Review status: criteria provided, multiple submitters, no conflicts (2 of 4 stars). 4 submissions from 4 submitters: Uncertain significance (4). Last evaluated 2023-11-20.

Conditions:
RYR1-related disorder. Also called: RYR1-related disorders; RYR1-related condition. Identifiers: MedGen CN239331.
Malignant hyperthermia, susceptibility to, 1 (MHS1). Also called: Malignant hyperthermia suceptibility 1; RYR1-Related Malignant Hyperthermia Susceptibility; Anesthesia related hyperthermia; Malignant hyperpyrexia; Fulminating hyperpyrexia; Pharmacogenic myopathy. Identifiers: Orphanet 423, MedGen C2930980, MONDO:0007783, OMIM 145600.

Allele frequency attached by ClinVar (database versions not stated): gnomAD exomes below 0.00001.
gnomAD v4.1: 7 of 1,585,762 alleles (0.00044%); highest among the groups gnomAD compares: Middle Eastern, 0.017%; no homozygotes.

Submissions (4):

All of Us Research Program, National Institutes of Health
Classification: Uncertain significance for Malignant hyperthermia, susceptibility to, 1. Last evaluated: 2023-11-20. Review status: criteria provided, single submitter. Criteria: ACMG Guidelines, 2015. Collection method: clinical testing. Allele origin: germline. Inheritance: Autosomal dominant inheritance. Observed: 3 variant alleles, 3 heterozygotes.
Comment: This missense variant replaces alanine with glycine at codon 2539 of the RYR1 protein. Computational prediction suggests that this variant may not impact protein structure and function (internally defined REVEL score threshold <= 0.5, PMID: 27666373). To our knowledge, functional studies have not been reported for this variant. This variant has not been reported in individuals affected with RYR1-related disorders in the literature. This variant has been identified in 1/242998 chromosomes in the general population by the Genome Aggregation Database (gnomAD). The available evidence is insufficient to determine the role of this variant in disease conclusively. Therefore, this variant is classified as a Variant of Uncertain Significance.

This study involves interpretation of variants in research participants for the purpose of population health screening. Participant phenotype was not available at the time of variant classification. Additional details can be found in publication PMID: 35346344, PMCID: PMC8962531

Revvity Omics, Revvity
Classification: Uncertain significance. Last evaluated: 2023-06-08. Review status: criteria provided, single submitter. Criteria: ACMG Guidelines, 2015. Collection method: clinical testing. Allele origin: germline.

Labcorp Genetics (formerly Invitae), Labcorp
Classification: Uncertain significance for RYR1-related disorder. Last evaluated: 2021-08-24. Review status: criteria provided, single submitter. Criteria: Invitae Variant Classification Sherloc (09022015). Collection method: clinical testing. Allele origin: germline.
Comment: This sequence change replaces alanine with glycine at codon 2539 of the RYR1 protein (p.Ala2539Gly). The alanine residue is highly conserved and there is a small physicochemical difference between alanine and glycine. This variant is not present in population databases (ExAC no frequency). This variant has not been reported in the literature in individuals affected with RYR1-related conditions. Algorithms developed to predict the effect of missense changes on protein structure and function are either unavailable or do not agree on the potential impact of this missense change (SIFT: "Deleterious"; PolyPhen-2: "Benign"; Align-GVGD: "Class C0"). In summary, the available evidence is currently insufficient to determine the role of this variant in disease. Therefore, it has been classified as a Variant of Uncertain Significance.

GeneDx
Classification: Uncertain significance. Last evaluated: 2021-04-28. Review status: criteria provided, single submitter. Criteria: GeneDx Variant Classification Process June 2021. Collection method: clinical testing. Allele origin: germline. Affected: yes.
Comment: Has not been previously published as pathogenic or benign to our knowledge; Not observed at a significant frequency in large population cohorts (Lek et al., 2016); In silico analysis, which includes protein predictors and evolutionary conservation, supports a deleterious effect

NM_000540.3(RYR1):c.7616C>G (p.Ala2539Gly)

Gene: RYR1 (ryanodine receptor 1; plus strand). Cytogenetic location: 19q13.2.
Variant type: single nucleotide variant.
Coding change: c.7616C>G on transcript NM_000540.3 (MANE Select); coding-DNA position 7616, C replaced by G.
Protein change: p.Ala2539Gly; replaces alanine 2539 with glycine.
Molecular consequence: missense variant.
Genome position (GRCh38, 1-based): chr19:38,502,508, C>G. VCF-style: chr19-38502508-C-G. GRCh37 (hg19) VCF-style: chr19-38993148-C-G.
Other names: c.7616C>G, p.Ala2539Gly (NM_001042723.2); short protein forms A2539G.
Identifiers: ClinVar variation 1014115 (VCV001014115.11), dbSNP rs761057071, ClinGen allele CA405671294.
Genomic context (GRCh38, chr19:38,502,508, plus strand): 5'-GGTGCCAGAGCAGCCCCAGGGGTGTGCAGCGGGCCTGATGTCCTCACCCTGCGCCCTAGG[C>G]CACTTTCAGCACCACCGAGATGGCGCTGGCGCTGAACCGCTACCTGTGCCTGGCCGTGCT-3'
Protein context (NP_000531.2, residues 2529-2549): DMRAAASLDT[Ala2539Gly]TFSTTEMALA